The following is an entry in ClinVar:

NM_000138.5(FBN1):c.2293+1G>A

Gene: FBN1 (fibrillin 1; minus strand). Cytogenetic location: 15q21.1.
Variant type: single nucleotide variant.
Coding change: c.2293+1G>A on transcript NM_000138.5 (MANE Select); the canonical splice donor site of the intron after coding-DNA position 2293, G replaced by A.
Molecular consequence: splice donor variant.
Genome position (GRCh38, 1-based): chr15:48,497,265, C>T on the plus strand (G>A on the coding strand, the complement: FBN1 is on the minus strand). VCF-style: chr15-48497265-C-T. GRCh37 (hg19) VCF-style: chr15-48789462-C-T.
Other names: c.2293+1G>A (NM_001406716.1).
Identifiers: ClinVar variation 406365 (VCV000406365.11), dbSNP rs1060501092, ClinGen allele CA16614665.
Genomic context (GRCh38, chr15:48,497,265, plus strand): 5'-GCAATGAAAGAAGGAATGCATTATGCAGGCAATGTTTCAGAAAATGGGTAAAACTTCTCA[C>T]CAACGCAGTTTTTCCCAGTTGAATCCACTTCATATCCTGAATTGCATATACATTTATAGG-3'

ClinVar aggregate classification (germline): Pathogenic. Review status: criteria provided, multiple submitters, no conflicts (2 of 4 stars). 3 submissions from 3 submitters: Pathogenic (3). Last evaluated 2025-10-05.

Conditions:
Familial thoracic aortic aneurysm and aortic dissection (TAAD). Also called: Thoracic aortic aneurysms and dissections. Identifiers: Orphanet 91387, MedGen C4707243, MONDO:0019625.
Marfan syndrome (MFS). Also called: Marfan syndrome, classic; Marfan syndrome type 1; Marfan's syndrome; MARFAN SYNDROME, TYPE I; FBN1-Related Marfan Syndrome. Identifiers: Orphanet 284963, Orphanet 558, MedGen C0024796, MONDO:0007947, OMIM 154700.

Submissions (3):

Clinical Biomedical Laboratory, Shriners Hospital For Children - Canada
Classification: Pathogenic for Marfan syndrome. Last evaluated: 2025-10-05. Review status: criteria provided, single submitter. Criteria: ACMG Guidelines, 2015. Collection method: clinical testing. Allele origin: germline. Affected: yes.
Comment: This variant affects a canonical splice site. This variant is absent from the Genome Aggregation Database (v2.1.1). This variant is expected to disrupt RNA splicing and lead to loss of function, which is a known disease mechanism in FBN1. This variant has been reported in the literature for an individual diagnosed with Marfan syndrome (PMID:17657824).

Labcorp Genetics (formerly Invitae), Labcorp
Classification: Pathogenic for Marfan syndrome; Familial thoracic aortic aneurysm and aortic dissection. Last evaluated: 2024-01-28. Review status: criteria provided, single submitter. Criteria: Invitae Variant Classification Sherloc (09022015). Collection method: clinical testing. Allele origin: germline.
Comment: This sequence change affects a donor splice site in intron 19 of the FBN1 gene. It is expected to disrupt RNA splicing. Variants that disrupt the donor or acceptor splice site typically lead to a loss of protein function (PMID: 16199547), and loss-of-function variants in FBN1 are known to be pathogenic (PMID: 17657824, 19293843). This variant is not present in population databases (gnomAD no frequency). Disruption of this splice site has been observed in individuals with clinical features of FBN1-related disease (PMID: 17657824, 21907952; Invitae). ClinVar contains an entry for this variant (Variation ID: 406365). Algorithms developed to predict the effect of sequence changes on RNA splicing suggest that this variant may disrupt the consensus splice site. For these reasons, this variant has been classified as Pathogenic.

Ambry Genetics
Classification: Pathogenic for Familial thoracic aortic aneurysm and aortic dissection. Last evaluated: 2016-09-16. Review status: criteria provided, single submitter. Criteria: Ambry Variant Classification Scheme 2023. Collection method: clinical testing. Allele origin: germline.
Comment: The c.2293+1G>A intronic pathogenic mutation results from a G to A substitution one nucleotide after coding exon 18 of the FBN1 gene. This mutation was reported in an individual with a clinical diagnosis of Marfan syndrome (Comeglio P et al. Hum. Mutat., 2007 Sep;28:928). Using the BDGP and ESEfinder splice site prediction tools, this alteration is predicted to abolish the native splice donor site; however, direct experimental evidence is unavailable. In addition to the clinical data presented in the literature, alterations that disrupt the canonical splice site are expected to cause aberrant splicing, resulting in an abnormal protein or a transcript that is subject to nonsense-mediated mRNA decay. As such, this alteration is classified as pathogenic.

Literature cited by the submitters: PubMed 17657824 (cited by 3 submitters); PubMed 16199547 (cited by Labcorp Genetics (formerly Invitae), Labcorp); PubMed 19293843 (cited by Labcorp Genetics (formerly Invitae), Labcorp); PubMed 21907952 (cited by Labcorp Genetics (formerly Invitae), Labcorp).